The following is an entry in ClinVar:

ClinVar aggregate classification (germline): Uncertain significance. Review status: criteria provided, multiple submitters, no conflicts (2 of 4 stars). 2 submissions from 2 submitters: Uncertain significance (2). Last evaluated 2026-01-27.

Conditions:
Autosomal dominant polycystic kidney disease. Identifiers: Orphanet 730, MedGen C0085413, MONDO:0004691.

Submissions (2):

GeneDx
Classification: Uncertain significance. Last evaluated: 2026-01-27. Review status: criteria provided, single submitter. Criteria: GeneDx Variant Classification Process June 2021. Collection method: clinical testing. Allele origin: germline.
Comment: Not observed at significant frequency in large population cohorts (gnomAD); In silico analysis suggests that this missense variant does not alter protein structure/function; Has not been previously published as pathogenic or benign to our knowledge

Labcorp Genetics (formerly Invitae), Labcorp
Classification: Uncertain significance for Autosomal dominant polycystic kidney disease. Last evaluated: 2024-09-02. Review status: criteria provided, single submitter. Criteria: Invitae Variant Classification Sherloc (09022015). Collection method: clinical testing. Allele origin: germline.
Comment: This sequence change replaces proline, which is neutral and non-polar, with leucine, which is neutral and non-polar, at codon 43 of the PKD2 protein (p.Pro43Leu). The frequency data for this variant in the population databases is considered unreliable, as metrics indicate insufficient coverage at this position in the gnomAD database. This variant has not been reported in the literature in individuals affected with PKD2-related conditions. An algorithm developed to predict the effect of missense changes on protein structure and function (PolyPhen-2) suggests that this variant is likely to be disruptive. In summary, the available evidence is currently insufficient to determine the role of this variant in disease. Therefore, it has been classified as a Variant of Uncertain Significance.

NM_000297.4(PKD2):c.128C>T (p.Pro43Leu)

Genes: PKD2 (polycystin 2, transient receptor potential cation channel; plus strand), LOC129992813 (ATAC-STARR-seq lymphoblastoid silent region 15559; plus strand). Cytogenetic location: 4q22.1.
Variant type: single nucleotide variant.
Coding change: c.128C>T on transcript NM_000297.4 (MANE Select); coding-DNA position 128, C replaced by T.
Protein change: p.Pro43Leu; replaces proline 43 with leucine.
Molecular consequence: missense variant. On other transcripts: non-coding transcript variant (1).
Genome position (GRCh38, 1-based): chr4:88,007,861, C>T. VCF-style: chr4-88007861-C-T. GRCh37 (hg19) VCF-style: chr4-88929013-C-T.
Other names: c.128C>T (NM_000297.3); short protein forms P43L.
Identifiers: ClinVar variation 3625832 (VCV003625832.4).